The following is an entry in ClinVar:

ClinVar aggregate classification (germline): Uncertain significance (1 of 4 stars; one submission).

Conditions:
Cohen syndrome (COH1). Also called: PEPPER SYNDROME; Cutis verticis gyrata, retinitis pigmentosa, and sensorineural deafness. Identifiers: Orphanet 193, MedGen C0265223, MONDO:0008999, OMIM 216550.

Submission:

Labcorp Genetics (formerly Invitae), Labcorp
Classification: Uncertain significance for Cohen syndrome. Last evaluated: 2021-09-20. Review status: criteria provided, single submitter. Criteria: Invitae Variant Classification Sherloc (09022015). Collection method: clinical testing. Allele origin: germline.
Comment: This sequence change replaces serine with phenylalanine at codon 1403 of the VPS13B protein (p.Ser1403Phe). The serine residue is moderately conserved and there is a large physicochemical difference between serine and phenylalanine. This variant is not present in population databases (ExAC no frequency). This variant has not been reported in the literature in individuals affected with VPS13B-related conditions. Algorithms developed to predict the effect of missense changes on protein structure and function are either unavailable or do not agree on the potential impact of this missense change (SIFT: "Not Available"; PolyPhen-2: "Benign"; Align-GVGD: "Not Available"). In summary, the available evidence is currently insufficient to determine the role of this variant in disease. Therefore, it has been classified as a Variant of Uncertain Significance.

NM_017890.5(VPS13B):c.4208C>T (p.Ser1403Phe)

Gene: VPS13B (vacuolar protein sorting 13 homolog B; plus strand). Cytogenetic location: 8q22.2.
Variant type: single nucleotide variant.
Coding change: c.4208C>T on transcript NM_017890.5 (MANE Plus Clinical); coding-DNA position 4208, C replaced by T.
Protein change: p.Ser1403Phe; replaces serine 1403 with phenylalanine.
Molecular consequence: missense variant. On other transcripts: intron variant (1).
Genome position (GRCh38, 1-based): chr8:99,507,820, C>T. VCF-style: chr8-99507820-C-T. GRCh37 (hg19) VCF-style: chr8-100520048-C-T.
Other names: c.4224+617C>T (NM_152564.5); short protein forms S1403F.
Identifiers: ClinVar variation 1400919 (VCV001400919.7), dbSNP rs2133626671, ClinGen allele CA371870653.